The following is an entry in ClinVar:

NM_005502.4(ABCA1):c.1769G>T (p.Trp590Leu)

Gene: ABCA1 (ATP binding cassette subfamily A member 1; minus strand). Cytogenetic location: 9q31.1.
Variant type: single nucleotide variant.
Coding change: c.1769G>T on transcript NM_005502.4 (MANE Select); coding-DNA position 1769, G replaced by T.
Protein change: p.Trp590Leu; replaces tryptophan 590 with leucine.
Molecular consequence: missense variant.
Genome position (GRCh38, 1-based): chr9:104,831,048, C>A on the plus strand (G>T on the coding strand, the complement: ABCA1 is on the minus strand). VCF-style: chr9-104831048-C-A. GRCh37 (hg19) VCF-style: chr9-107593329-C-A.
Other names: short protein forms W590L.
Identifiers: ClinVar variation 3340411 (VCV003340411.3).

ClinVar aggregate classification (germline): Conflicting classifications of pathogenicity. Review status: criteria provided, conflicting classifications (1 of 4 stars). 3 submissions from 3 submitters: Likely pathogenic (2); Likely benign (1). Last evaluated 2026-02-03.

Conditions:
ABCA1-related disorder. Also called: ABCA1-related disorders; ABCA1-related condition. Identifiers: MedGen CN239173.

Submissions (3):

Labcorp Genetics (formerly Invitae), Labcorp
Classification: Likely benign. Last evaluated: 2026-02-03. Review status: criteria provided, single submitter. Criteria: Invitae Variant Classification Sherloc (09022015). Collection method: clinical testing. Allele origin: germline.

PreventionGenetics, part of Exact Sciences
Classification: Likely pathogenic for ABCA1-related condition. Last evaluated: 2025-06-30. Review status: criteria provided, single submitter. Criteria: ACMG Guidelines, 2015. Collection method: clinical testing. Allele origin: germline.
Comment: The ABCA1 c.1769G>T variant is predicted to result in the amino acid substitution p.Trp590Leu. This variant is alternatively referred to as G2265T in the literature. It has been reported in individuals with HDL deficiency and evidence suggesting segregation with HDL deficiency was shown in one family (Hong et al. 2002. PubMed ID: 12407001; Kiss et al. 2007. PubMed ID: 17303779). It has also been reported along with a second ABCA1 variant in an individual with Tangier disease (Sadananda et al. 2015. PubMed ID: 26255038). In vitro functional studies of this variant demonstrate normal quantity of the ABCA1 protein but defective cholesterol efflux (Kiss et al. 2007. PubMed ID: 17303779; Sadananda et al. 2015. PubMed ID: 26255038). This variant is reported in 18 alleles out of 282578 alleles in gnomAD. This variant is interpreted as likely pathogenic.

GeneDx
Classification: Likely pathogenic. Last evaluated: 2023-09-06. Review status: criteria provided, single submitter. Criteria: GeneDx Variant Classification Process June 2021. Collection method: clinical testing. Allele origin: germline. Affected: yes.
Comment: Published functional studies demonstrate a damaging effect: normal to reduced cell surface expression, but defective cholesterol efflux activity as compared to wild type (Cohen et al., 2004; Kiss et al., 2007; Sadananda et al., 2015); In silico analysis supports that this missense variant has a deleterious effect on protein structure/function; This variant is associated with the following publications: (PMID: 35974019, 25215231, 36088354, 15297675, 17303779, 17113061, 15262183, 28870971, 29150341, 32041611, 31980526, 26255038, 30333156, 12407001)